The following is an entry in ClinVar:

ClinVar aggregate classification (germline): Conflicting classifications of pathogenicity. Review status: criteria provided, conflicting classifications (1 of 4 stars). 2 submissions from 2 submitters: Uncertain significance (1); Likely benign (1). Last evaluated 2024-11-04.

Conditions:
Charcot-Marie-Tooth disease axonal type 2O. Also called: Charcot-Marie-Tooth disease, axonal, type 20; CHARCOT-MARIE-TOOTH NEUROPATHY, AXONAL, TYPE 2O; CHARCOT-MARIE-TOOTH DISEASE, AXONAL, AUTOSOMAL DOMINANT, TYPE 2O; Charcot-Marie-Tooth Neuropathy Type 2O. Identifiers: Orphanet 284232, MedGen C3280220, MONDO:0013644, OMIM 614228.

Allele frequency attached by ClinVar (database versions not stated): TOPMed below 0.00001; gnomAD 0.00001; ExAC 0.00002; ESP Exome Variant Server 0.00008; gnomAD exomes 0.00002.
gnomAD v4.1: 30 of 1,614,030 alleles (0.0019%); highest among the groups gnomAD compares: South Asian, 0.02%; no homozygotes.

Submissions (2):

GeneDx
Classification: Uncertain significance. Last evaluated: 2024-11-04. Review status: criteria provided, single submitter. Criteria: GeneDx Variant Classification Process June 2021. Collection method: clinical testing. Allele origin: germline. Affected: yes.
Comment: Reported as a variant of uncertain significance in a patient with Charcot-Marie-Tooth disease (PMID: 32376792); In silico analysis supports that this missense variant has a deleterious effect on protein structure/function; In silico analysis suggests this variant may impact gene splicing. In the absence of RNA/functional studies, the actual effect of this sequence change is unknown.; This variant is associated with the following publications: (PMID: 25512093, 25609763, 26100331, 32376792)

Labcorp Genetics (formerly Invitae), Labcorp
Classification: Likely benign for Charcot-Marie-Tooth disease axonal type 2O. Last evaluated: 2024-04-05. Review status: criteria provided, single submitter. Criteria: Invitae Variant Classification Sherloc (09022015). Collection method: clinical testing. Allele origin: germline.

NM_001376.5(DYNC1H1):c.12835G>A (p.Asp4279Asn)

Gene: DYNC1H1 (dynein cytoplasmic 1 heavy chain 1; plus strand). Cytogenetic location: 14q32.31.
Variant type: single nucleotide variant.
Coding change: c.12835G>A on transcript NM_001376.5 (MANE Select); coding-DNA position 12835, G replaced by A.
Protein change: p.Asp4279Asn; replaces aspartic acid 4279 with asparagine.
Molecular consequence: missense variant.
Genome position (GRCh38, 1-based): chr14:102,044,424, G>A. VCF-style: chr14-102044424-G-A. GRCh37 (hg19) VCF-style: chr14-102510761-G-A.
Other names: short protein forms D4279N.
Identifiers: ClinVar variation 2038665 (VCV002038665.5), dbSNP rs142900209, ClinGen allele CA7354045.
Genomic context (GRCh38, chr14:102,044,424, plus strand): 5'-GAGTTTGACCAGCGTCTGCTCAACACCTTCCTGGAGCGCCTGTTCACAACCAGGAGTTTC[G>A]ACAGTGAGTTTAAGCTGGCATGCAAGGTCGACGGACATAAAGACATTCAAATGCCAGATG-3'
Protein context (NP_001367.2, residues 4269-4289): LERLFTTRSF[Asp4279Asn]SEFKLACKVD